The following is an entry in ClinVar:

ClinVar aggregate classification (germline): Likely benign. Review status: criteria provided, multiple submitters, no conflicts (2 of 4 stars). 2 submissions from 2 submitters: Likely benign (2). Last evaluated 2018-06-16.

Allele frequency attached by ClinVar (database versions not stated): 1000 Genomes Project 0.00399; 1000 Genomes Project 30x 0.00484; TOPMed 0.00907; gnomAD 0.00910 and 0.00917; gnomAD exomes 0.01355.
gnomAD v4.1: 10,351 of 818,780 alleles (1.3%); highest among the groups gnomAD compares: Non-Finnish European, 1.7%; 82 homozygotes.

Submissions (2):

GeneDx
Classification: Likely benign. Last evaluated: 2018-06-16. Review status: criteria provided, single submitter. Criteria: GeneDx Variant Classification (06012015). Collection method: clinical testing. Allele origin: germline. Affected: yes.
Comment: This variant is considered likely benign or benign based on one or more of the following criteria: it is a conservative change, it occurs at a poorly conserved position in the protein, it is predicted to be benign by multiple in silico algorithms, and/or has population frequency not consistent with disease.

Breakthrough Genomics
Classification: Likely benign. Review status: criteria provided, single submitter. Criteria: ACMG Guidelines, 2015. Collection method: not provided. Allele origin: germline. Inheritance: Autosomal recessive inheritance. Affected: yes.

NM_025265.4(TSEN2):c.-17-115A>G

Gene: TSEN2 (tRNA splicing endonuclease subunit 2; plus strand). Cytogenetic location: 3p25.2.
Variant type: single nucleotide variant.
Coding change: c.-17-115A>G on transcript NM_025265.4 (MANE Select); 115 bases into the intron before 17 bases upstream of the start codon, A replaced by G.
Molecular consequence: intron variant.
Genome position (GRCh38, 1-based): chr3:12,489,669, A>G. VCF-style: chr3-12489669-A-G. GRCh37 (hg19) VCF-style: chr3-12531168-A-G.
Other names: c.-17-115A>G (NM_001321278.2, NM_001321279.2, NM_001145392.2 and 3 more transcripts).
Identifiers: ClinVar variation 678921 (VCV000678921.2), dbSNP rs41293383, ClinGen allele CA69566949.
Genomic context (GRCh38, chr3:12,489,669, plus strand): 5'-TTTACATTGCTCACACAAACTGTTCTTACTGCTTTTAGTTTATTGCTTTATAAATACTCT[A>G]TTTCTTCCCACAGACCACTAAGTTTTCTGAGCCTAGGTACAGATGTACTCACATTTTGGA-3'